The following is an entry in ClinVar:

NM_000094.4(COL7A1):c.3727del (p.Arg1243fs)

Gene: COL7A1 (collagen type VII alpha 1 chain; minus strand). Cytogenetic location: 3p21.31.
Variant type: Deletion.
Coding change: c.3727del on transcript NM_000094.4 (MANE Select); coding-DNA position 3727, one base deleted (C; older notation c.3727delC).
Protein change: p.Arg1243fs; shifts the reading frame from arginine 1243.
Molecular consequence: frameshift variant.
Genome position (GRCh38, 1-based): chr3:48,585,972, G deleted on the plus strand (C on the coding strand, the reverse complement: COL7A1 is on the minus strand); the first of 4 consecutive G bases (chr3:48,585,972-48,585,975); deleting any one gives the same sequence. VCF-style (leftmost placement, unchanged base first): chr3-48585971-CG-C. GRCh37 (hg19) VCF-style: chr3-48623404-CG-C.
Other names: short protein forms R1243fs.
Identifiers: ClinVar variation 2203377 (VCV002203377.4), dbSNP rs2531199866, ClinGen allele CA2580070104.

ClinVar aggregate classification (germline): Pathogenic (1 of 4 stars; one submission).

Submission:

Labcorp Genetics (formerly Invitae), Labcorp
Classification: Pathogenic. Last evaluated: 2022-03-22. Review status: criteria provided, single submitter. Criteria: Invitae Variant Classification Sherloc (09022015). Collection method: clinical testing. Allele origin: germline.
Comment: For these reasons, this variant has been classified as Pathogenic. This premature translational stop signal has been observed in individual(s) with autosomal recessive epidermolysis bullosa dystrophica (PMID: 27899325). This variant is not present in population databases (gnomAD no frequency). This sequence change creates a premature translational stop signal (p.Arg1243Glyfs*22) in the COL7A1 gene. It is expected to result in an absent or disrupted protein product. Loss-of-function variants in COL7A1 are known to be pathogenic (PMID: 16971478).

Literature cited by the submitters: PubMed 27899325; PubMed 16971478.